The following is an entry in ClinVar:

NM_002474.3(MYH11):c.1121A>G (p.Asp374Gly)

Gene: MYH11 (myosin heavy chain 11; minus strand). Cytogenetic location: 16p13.11.
Variant type: single nucleotide variant.
Coding change: c.1121A>G on transcript NM_002474.3 (MANE Select); coding-DNA position 1121, A replaced by G.
Protein change: p.Asp374Gly; replaces aspartic acid 374 with glycine.
Molecular consequence: missense variant.
Genome position (GRCh38, 1-based): chr16:15,763,804, T>C on the plus strand (A>G on the coding strand, the complement: MYH11 is on the minus strand). VCF-style: chr16-15763804-T-C. GRCh37 (hg19) VCF-style: chr16-15857661-T-C.
Other names: c.1142A>G, p.Asp381Gly (NM_001040113.2, NM_001040114.2); c.1121A>G, p.Asp374Gly (NM_022844.3); c.1121A>G (NM_002474.2); short protein forms D381G, D374G.
Identifiers: ClinVar variation 927502 (VCV000927502.5), dbSNP rs1174407076, ClinGen allele CA394865140.

ClinVar aggregate classification (germline): Uncertain significance. Review status: criteria provided, multiple submitters, no conflicts (2 of 4 stars). 3 submissions from 3 submitters: Uncertain significance (3). Last evaluated 2025-07-07.

Conditions:
Aortic aneurysm, familial thoracic 4 (AAT4). Also called: AORTIC ANEURYSM/AORTIC DISSECTION AND PATENT DUCTUS ARTERIOSUS. Identifiers: MedGen C1851504, MONDO:0007568, OMIM 132900.
Visceral myopathy 2. Identifiers: MedGen C5543466, MONDO:0859157, OMIM 619350.
Megacystis-microcolon-intestinal hypoperistalsis syndrome 2. Identifiers: MedGen C5543476, MONDO:0025708, OMIM 619351.
Familial thoracic aortic aneurysm and aortic dissection (TAAD). Also called: Thoracic aortic aneurysms and dissections. Identifiers: Orphanet 91387, MedGen C4707243, MONDO:0019625.

Allele frequency attached by ClinVar (database versions not stated): gnomAD exomes below 0.00001 and 0.00001.
gnomAD v4.1: 2 of 1,592,638 alleles (0.00013%); highest among the groups gnomAD compares: East Asian, 0.0023%; no homozygotes.

Submissions (3):

Ambry Genetics
Classification: Uncertain significance for Familial thoracic aortic aneurysm and aortic dissection. Last evaluated: 2025-07-07. Review status: criteria provided, single submitter. Criteria: Ambry Variant Classification Scheme 2023. Collection method: clinical testing. Allele origin: germline.
Comment: The p.D374G variant (also known as c.1121A>G), located in coding exon 9 of the MYH11 gene, results from an A to G substitution at nucleotide position 1121. The aspartic acid at codon 374 is replaced by glycine, an amino acid with similar properties. This amino acid position is highly conserved in available vertebrate species. In addition, this alteration is predicted to be deleterious by in silico analysis. Based on the available evidence, the clinical significance of this variant remains unclear.

Fulgent Genetics
Classification: Uncertain significance for Aortic aneurysm, familial thoracic 4; Visceral myopathy 2; Megacystis-microcolon-intestinal hypoperistalsis syndrome 2. Last evaluated: 2022-04-29. Review status: criteria provided, single submitter. Criteria: ACMG Guidelines, 2015. Collection method: clinical testing. Allele origin: unknown.

Color Diagnostics, LLC DBA Color Health
Classification: Uncertain significance for Familial thoracic aortic aneurysm and aortic dissection. Last evaluated: 2019-07-11. Review status: criteria provided, single submitter. Criteria: ACMG Guidelines, 2015. Collection method: clinical testing. Allele origin: germline.
Comment: This missense variant replaces aspartic acid with glycine at codon 381 of the MYH11 protein. Computational prediction tools and conservation analyses are inconclusive regarding the impact of this variant on the protein function. Computational splicing tools suggest that this variant may create a cryptic donor site, which may result in a deletion of three amino acids. To our knowledge, functional assays have not been performed for this variant nor has this variant been reported in individuals affected with cardiovascular disorders in the literature. This variant has been identified in 2/251298 chromosomes in the general population by the Genome Aggregation Database (gnomAD). Available evidence is insufficient to determine the role of this variant in disease conclusively. Therefore, this variant is classified as a Variant of Uncertain Significance.